The following is an entry in ClinVar:

ClinVar aggregate classification (germline): Uncertain significance. Review status: criteria provided, multiple submitters, no conflicts (2 of 4 stars). 2 submissions from 2 submitters: Uncertain significance (2). Last evaluated 2025-12-13.

Conditions:
Inborn genetic diseases. Identifiers: MedGen C0950123, MeSH D030342.
Alpha-methylacyl-CoA racemase deficiency (AMACRD). Also called: AMACR deficiency. Identifiers: Orphanet 79095, MedGen C3280428, MONDO:0013681, OMIM 614307. Disease mechanism: loss of function.

Allele frequency attached by ClinVar (database versions not stated): gnomAD exomes 0.00001; TOPMed 0.00002; gnomAD 0.00004.

Submissions (2):

Labcorp Genetics (formerly Invitae), Labcorp
Classification: Uncertain significance for Alpha-methylacyl-CoA racemase deficiency. Last evaluated: 2025-12-13. Review status: criteria provided, single submitter. Criteria: Invitae Variant Classification Sherloc (09022015). Collection method: clinical testing. Allele origin: germline.
Comment: This sequence change replaces alanine, which is neutral and non-polar, with threonine, which is neutral and polar, at codon 292 of the AMACR protein (p.Ala292Thr). This variant is present in population databases (no rsID available, gnomAD 0.02%). This variant has not been reported in the literature in individuals affected with AMACR-related conditions. ClinVar contains an entry for this variant (Variation ID: 1355076). Invitae Evidence Modeling of protein sequence and biophysical properties (such as structural, functional, and spatial information, amino acid conservation, physicochemical variation, residue mobility, and thermodynamic stability) has been performed for this missense variant. However, the output from this modeling did not meet the statistical confidence thresholds required to predict the impact of this variant on AMACR protein function. In summary, the available evidence is currently insufficient to determine the role of this variant in disease. Therefore, it has been classified as a Variant of Uncertain Significance.

Ambry Genetics
Classification: Uncertain significance for Inborn genetic diseases. Last evaluated: 2024-12-25. Review status: criteria provided, single submitter. Criteria: Ambry Variant Classification Scheme 2023. Collection method: clinical testing. Allele origin: germline.

NM_014324.6(AMACR):c.874G>A (p.Ala292Thr)

Genes: C1QTNF3-AMACR (C1QTNF3-AMACR readthrough (NMD candidate); minus strand), AMACR (alpha-methylacyl-CoA racemase; minus strand). Cytogenetic location: 5p13.2.
Variant type: single nucleotide variant.
Coding change: c.874G>A on transcript NM_014324.6 (MANE Select); coding-DNA position 874, G replaced by A.
Protein change: p.Ala292Thr; replaces alanine 292 with threonine.
Molecular consequence: missense variant. On other transcripts: non-coding transcript variant (1), 3 prime UTR variant (1).
Genome position (GRCh38, 1-based): chr5:33,989,368, C>T on the plus strand (G>A on the coding strand, the complement: AMACR is on the minus strand). VCF-style: chr5-33989368-C-T. GRCh37 (hg19) VCF-style: chr5-33989473-C-T.
Other names: c.874G>A (NM_014324.5); c.874G>A, p.Ala292Thr (NM_001167595.2); c.*116G>A (NM_203382.3); short protein forms A292T.
Identifiers: ClinVar variation 1355076 (VCV001355076.7), dbSNP rs1253952136, ClinGen allele CA359399117.